The following is an entry in ClinVar:

ClinVar aggregate classification (germline): Pathogenic. Review status: reviewed by expert panel (3 of 4 stars). 4 submissions from 4 submitters: Pathogenic (1). 3 of the submissions do not count toward it. Last evaluated 2017-12-15.

Conditions:
Hereditary cancer-predisposing syndrome. Also called: Neoplastic Syndromes, Hereditary; Tumor predisposition; Hereditary Cancer Syndrome; Hereditary neoplastic syndrome. Identifiers: Orphanet 140162, MedGen C0027672, MeSH D009386, MONDO:0015356.
Breast-ovarian cancer, familial, susceptibility to, 1 (BROVCA1). Also called: OVARIAN CANCER, SUSCEPTIBILITY TO; BRCA1 Hereditary Breast and Ovarian Cancer. Identifiers: Orphanet 145, MedGen C2676676, MONDO:0011450, OMIM 604370. Disease mechanism: loss of function.

Submissions (4):

Evidence-based Network for the Interpretation of Germline Mutant Alleles (ENIGMA)
Classification: Pathogenic for Breast-ovarian cancer, familial, susceptibility to, 1. Last evaluated: 2017-12-15. Review status: reviewed by expert panel. Criteria: ENIGMA BRCA1/2 Classification Criteria (2017-06-29). Collection method: curation. Allele origin: germline. Study: ENIGMA.
Comment: Variant allele predicted to encode a truncated non-functional protein.

Ambry Genetics
Classification: Pathogenic for Hereditary cancer-predisposing syndrome. Last evaluated: 2019-04-30. Review status: criteria provided, single submitter. Criteria: Ambry Variant Classification Scheme 2023. Collection method: clinical testing. Allele origin: germline. Not counted in ClinVar's aggregate classification.
Comment: The c.2947delC pathogenic mutation, located in coding exon 9 of the BRCA1 gene, results from a deletion of one nucleotide at nucleotide position 2947, causing a translational frameshift with a predicted alternate stop codon (p.L983Ffs*17). This alteration is expected to result in loss of function by premature protein truncation or nonsense-mediated mRNA decay. As such, this alteration is interpreted as a disease-causing mutation.

Juno Genomics, Hangzhou Juno Genomics, Inc
Classification: Pathogenic for Breast-ovarian cancer, familial, susceptibility to, 1. Review status: criteria provided, single submitter. Criteria: ACMG Guidelines, 2015. Collection method: clinical testing. Allele origin: germline. Not counted in ClinVar's aggregate classification.
Comment: Absent from controls (or at extremely low frequency if recessive) in Genome Aggregation Database.;Null variant in a gene where loss of function (LOF) is a known mechanism of disease.;Novel missense change at an amino acid residue where a different missense change determined to be pathogenic has been seen before.

BRCAlab, Lund University
Classification: Pathogenic for Breast-ovarian cancer, familial, susceptibility to, 1. Last evaluated: 2020-03-02. Review status: no assertion criteria provided. Collection method: clinical testing. Allele origin: germline. Affected: yes. Not counted in ClinVar's aggregate classification.

NM_007294.4(BRCA1):c.2947del (p.Leu983fs)

Gene: BRCA1 (BRCA1 DNA repair associated; minus strand). Cytogenetic location: 17q21.31.
Variant type: Deletion.
Coding change: c.2947del on transcript NM_007294.4 (MANE Select); coding-DNA position 2947, one base deleted (C; older notation c.2947delC).
Protein change: p.Leu983fs; shifts the reading frame from leucine 983.
Molecular consequence: frameshift variant. On other transcripts: intron variant (137).
Genome position (GRCh38, 1-based): chr17:43,092,584, G deleted on the plus strand (C on the coding strand, the reverse complement: BRCA1 is on the minus strand). VCF-style (leftmost placement, unchanged base first): chr17-43092583-AG-A. GRCh37 (hg19) VCF-style: chr17-41244600-AG-A.
Other names: c.2734del, p.Leu912fs (NM_001407571.1, NM_001407853.1, NM_001407894.1 and 9 more transcripts); c.2947del, p.Leu983fs (NM_001407581.1, NM_001407582.1, NM_001407583.1 and 30 more transcripts); c.2944del, p.Leu982fs (NM_001407587.1, NM_001407590.1, NM_001407591.1 and 22 more transcripts); c.2938del, p.Leu980fs (NM_001407646.1, NM_001407647.1); c.2824del, p.Leu942fs (NM_001407648.1, NM_001407664.1, NM_001407665.1 and 19 more transcripts); c.2821del, p.Leu941fs (NM_001407649.1, NM_001407670.1, NM_001407671.1 and 11 more transcripts); c.2869del, p.Leu957fs (NM_001407653.1, NM_001407654.1, NM_001407655.1 and 4 more transcripts); c.2866del, p.Leu956fs (NM_001407659.1, NM_001407660.1, NM_001407661.1 and 1 more transcripts); and 41 more; short protein forms L936fs, L983fs, L687fs, L815fs, L871fs, L941fs, L980fs, L856fs.
Identifiers: ClinVar variation 231349 (VCV000231349.9), dbSNP rs876659108, ClinGen allele CA10580589.